The following is an entry in ClinVar:

NM_001199799.2(ILDR1):c.1507C>T (p.His503Tyr)

Gene: ILDR1 (immunoglobulin like domain containing receptor 1; minus strand). Cytogenetic location: 3q13.33.
Variant type: single nucleotide variant.
Coding change: c.1507C>T on transcript NM_001199799.2 (MANE Select); coding-DNA position 1507, C replaced by T.
Protein change: p.His503Tyr; replaces histidine 503 with tyrosine.
Molecular consequence: missense variant.
Genome position (GRCh38, 1-based): chr3:121,993,242, G>A on the plus strand (C>T on the coding strand, the complement: ILDR1 is on the minus strand). VCF-style: chr3-121993242-G-A. GRCh37 (hg19) VCF-style: chr3-121712089-G-A.
Other names: c.1240C>T, p.His414Tyr (NM_001199800.2); c.1375C>T, p.His459Tyr (NM_175924.4); short protein forms H414Y, H459Y, H503Y.
Identifiers: ClinVar variation 1405577 (VCV001405577.8), dbSNP rs745614639, ClinGen allele CA2568645.
Genomic context (GRCh38, chr3:121,993,242, plus strand): 5'-TATTCTTGCCTGGAGTGATATCAAGTGAGCGGTAGCTAGGCGGCTTCTCCTCGGGCCAGT[G>A]TGGGGAGTGCGAGCCGCGGCGGTGGGCCCGCCAGCTCTGGGGCTGCCTCTCCTTGTCCTC-3'
Protein context (NP_001186728.1, residues 493-513): RAHRRGSHSP[His503Tyr]WPEEKPPSYR

ClinVar aggregate classification (germline): Uncertain significance. Review status: criteria provided, multiple submitters, no conflicts (2 of 4 stars). 2 submissions from 2 submitters: Uncertain significance (2). Last evaluated 2022-07-19.

Allele frequency attached by ClinVar (database versions not stated): gnomAD 0.00001; gnomAD exomes 0.00002 and 0.00004; ExAC 0.00004; TOPMed 0.00005.
gnomAD v4.1: 13 of 1,613,824 alleles (0.00081%); highest among the groups gnomAD compares: Admixed American, 0.022%; no homozygotes.

Submissions (2):

Labcorp Genetics (formerly Invitae), Labcorp
Classification: Uncertain significance. Last evaluated: 2022-07-19. Review status: criteria provided, single submitter. Criteria: Invitae Variant Classification Sherloc (09022015). Collection method: clinical testing. Allele origin: germline.
Comment: In summary, the available evidence is currently insufficient to determine the role of this variant in disease. Therefore, it has been classified as a Variant of Uncertain Significance. Algorithms developed to predict the effect of missense changes on protein structure and function are either unavailable or do not agree on the potential impact of this missense change (SIFT: "Deleterious"; PolyPhen-2: "Benign"; Align-GVGD: "Class C0"). ClinVar contains an entry for this variant (Variation ID: 1405577). This variant has not been reported in the literature in individuals affected with ILDR1-related conditions. This variant is present in population databases (rs745614639, gnomAD 0.03%). This sequence change replaces histidine, which is basic and polar, with tyrosine, which is neutral and polar, at codon 503 of the ILDR1 protein (p.His503Tyr).

Blueprint Genetics
Classification: Uncertain significance. Last evaluated: 2019-07-16. Review status: criteria provided, single submitter. Criteria: ACMG Guidelines, 2015. Collection method: clinical testing. Allele origin: germline.